The following is an entry in ClinVar:

ClinVar aggregate classification (germline): Pathogenic. Review status: reviewed by expert panel (3 of 4 stars). 8 submissions from 7 submitters: Pathogenic (1). 7 of the submissions do not count toward it. Last evaluated 2025-05-20.

Conditions:
RPGR-related disorder. Also called: RPGR-related condition.
Primary ciliary dyskinesia. Also called: Ciliary dyskinesia. Identifiers: Orphanet 244, MedGen C0008780, MONDO:0016575, HP:0012265.
Retinitis pigmentosa 3. Also called: CHOROIDORETINAL DEGENERATION WITH RETINAL REFLEX IN HETEROZYGOUS WOMEN. Identifiers: Orphanet 791, MedGen C1845667, MONDO:0010227, OMIM 300029.
RPGR-related retinopathy. Also called: RPGR retinopathy. Identifiers: MedGen CN305589, MONDO:0100437.
Retinal dystrophy. Also called: Inherited retinal dystrophy. Identifiers: Orphanet 71862, MedGen C0854723, MeSH D058499, MONDO:0019118, HP:0000556.

Submissions (8):

ClinGen X-linked Inherited Retinal Disease Variant Curation Expert Panel, ClinGen
Classification: Pathogenic for RPGR-related retinopathy. Last evaluated: 2025-05-20. Review status: reviewed by expert panel. Criteria: ClinGen X LinkedIRD ACMG Specifications RPGR V1.0.0. Collection method: curation. Allele origin: germline. Inheritance: X-linked inheritance.
Comment: NM_001034853.2(RPGR):c.3317dup (p.Ser1107ValfsTer4) is a frameshift variant that introduces a premature stop codon into exon 15 of 15 before amino acid 1132, which is predicted not to trigger nonsense-mediated decay but rather to disrupt a critical C-terminal region required for proper glutamylation of RPGR (PVS1, PMID: 36445968). This variant is absent from hemizygous individuals in gnomAD v4.1.0 (PM2_Supporting). The variant has been reported to segregate with retinal dystrophy through at least 4 affected meioses from 2 families (PP1_strong; PMIDs: [21866333, 19429592]). This variant has been reported in at least 3 apparently unrelated probands meeting the PS4 requirement of some functional vision impairment in affected males by age 30 years, with decreased or absent cone and/or rod electroretinogram responses (PMIDs: 29528978, 15734019, 32860923, PS4_moderate). At least one additional proband harboring this variant exhibits a phenotype including onset before age 20 years (1 pt), mild myopia, reduced visual acuity (0.5 pts), family history consistent with X-linked inheritance (2 pts), and poor color vision (0.5 pts), which together are specific for RPGR-related retinopathy (4 points, PP4). In summary, this variant is classified as pathogenic for RPGR-related retinopathy based on the ClinGen X-linked Inherited Retinal Disease Expert Panel Specifications to the ACMG/AMP Variant Interpretation Guidelines for RPGR Version 1.0.0; PVS1, PS4_moderate. PM2_supporting, PP1_strong, and PP4. (date of approval 05/16/2025).

3billion
Classification: Pathogenic for RPGR-related disorder. Last evaluated: 2025-12-15. Review status: criteria provided, single submitter. Criteria: ACMG Guidelines, 2015. Collection method: clinical testing. Allele origin: germline. Affected: yes. Not counted in ClinVar's aggregate classification.
Comment: The variant is not observed in the gnomAD v4.1.0 dataset. Predicted Consequence/Location: Frameshift: predicted to result in a loss or disruption of normal protein function through protein truncation. Multiple pathogenic variants are reported in the predicted truncated region. The variant has been reported multiple times as an established pathogenic variant (ClinVar ID: VCV000280089 /PMID: 19429592). Therefore, this variant is classified as Pathogenic according to the recommendation of ACMG/AMP guideline.

Labcorp Genetics (formerly Invitae), Labcorp
Classification: Pathogenic for Primary ciliary dyskinesia. Last evaluated: 2025-08-08. Review status: criteria provided, single submitter. Criteria: Invitae Variant Classification Sherloc (09022015). Collection method: clinical testing. Allele origin: germline. Not counted in ClinVar's aggregate classification.
Comment: This sequence change creates a premature translational stop signal (p.Ser1107Valfs*4) in the RPGR (ORF15) gene. While this is not anticipated to result in nonsense mediated decay, it is expected to disrupt the last 46 amino acid(s) of the RPGR (ORF15) protein. This variant is not present in population databases (gnomAD no frequency). This premature translational stop signal has been observed in individuals with clinical features of inherited retinal dystrophy (PMID: 15734019, 21866333). It has also been observed to segregate with disease in related individuals. This variant is also known as 1564_1565insA. ClinVar contains an entry for this variant (Variation ID: 280089). For these reasons, this variant has been classified as Pathogenic.

Blueprint Genetics
Classification: Pathogenic for Retinal dystrophy. Last evaluated: 2019-02-03. Review status: criteria provided, single submitter. Criteria: Blueprint Genetics Variant Classification Scheme. Collection method: clinical testing. Allele origin: germline. Affected: yes. Not counted in ClinVar's aggregate classification.

GeneDx
Classification: Pathogenic. Last evaluated: 2016-04-15. Review status: criteria provided, single submitter. Criteria: GeneDx Variant Classification (06012015). Collection method: clinical testing. Allele origin: germline. Affected: yes. Not counted in ClinVar's aggregate classification.
Comment: The c.3317dupA pathogenic variant in the RPGR gene has been reported previously in association with cone dystrophy and cone-rod dystrophy (Thiadens et al., 2011; Demirci et al., 2002). The c.3317dupA variant causes a frameshift starting with codon Serine 1107, changes this amino acid to a Valine residue, and creates a premature Stop codon at position 4 of the new reading frame, denoted p.Ser1107ValfsX4. This variant is predicted to cause loss of normal protein function through protein truncation. The c.3317dupA variant was not observed in approximately 6,500 individuals of European and African American ancestry in the NHLBI Exome Sequencing Project, indicating it is not a common benign variant in these populations. We interpret c.3317dupA as a pathogenic variant.

Blueprint Genetics
Classification: Pathogenic for Retinitis pigmentosa 3. Review status: no assertion criteria provided. Collection method: clinical testing. Allele origin: germline. Affected: yes. Not counted in ClinVar's aggregate classification.

Clinical Genetics DNA and cytogenetics Diagnostics Lab, Erasmus MC, Erasmus Medical Center
Classification: Pathogenic. Review status: no assertion criteria provided. Collection method: clinical testing. Allele origin: germline. Affected: yes. Study: VKGL Data-share Consensus. Not counted in ClinVar's aggregate classification.

Joint Genome Diagnostic Labs from Nijmegen and Maastricht, Radboudumc and MUMC+
Classification: Pathogenic. Review status: no assertion criteria provided. Collection method: clinical testing. Allele origin: germline. Affected: yes. Study: VKGL Data-share Consensus. Not counted in ClinVar's aggregate classification.

Literature cited by the submitters: PubMed 19429592 (cited by 3billion); PubMed 15734019 (cited by Labcorp Genetics (formerly Invitae), Labcorp); PubMed 21866333 (cited by Labcorp Genetics (formerly Invitae), Labcorp).

NM_001034853.2(RPGR):c.3317dup (p.Ser1107fs)

Gene: RPGR (retinitis pigmentosa GTPase regulator; minus strand). Cytogenetic location: Xp11.4.
Variant type: Duplication.
Coding change: c.3317dup on transcript NM_001034853.2 (MANE Select); coding-DNA position 3317, one base duplicated (A; older notation c.3317dupA).
Protein change: p.Ser1107fs; shifts the reading frame from serine 1107.
Molecular consequence: frameshift variant. On other transcripts: intron variant (8).
Genome position (GRCh38, 1-based): chrX:38,285,682, T duplicated on the plus strand (A on the coding strand, the reverse complement: RPGR is on the minus strand); the first of 7 consecutive T bases (chrX:38,285,682-38,285,688); duplicating any one gives the same sequence. VCF-style (leftmost placement, unchanged base first): chrX-38285681-C-CT. GRCh37 (hg19) VCF-style: chrX-38144934-C-CT.
Other names: NM_001034853.2(RPGR):c.3317dup; p.Ser1107fs; c.3317dup (NM_001034853.1); c.1569+5271dup (NM_001367249.1, NM_001367250.1); c.1902+1406dup (NM_001367245.1); c.1386+5271dup (NM_001367251.1); c.1719+1406dup (NM_001367246.1); c.1572+5271dup (NM_001367247.1); and 2 more; short protein forms S1107fs.
Identifiers: ClinVar variation 280089 (VCV000280089.13), dbSNP rs886041376, ClinGen allele CA10603725.